The following is an entry in ClinVar:

ClinVar aggregate classification (germline): Uncertain significance. Review status: criteria provided, multiple submitters, no conflicts (2 of 4 stars). 2 submissions from 2 submitters: Uncertain significance (2). Last evaluated 2025-09-10.

Conditions:
Bartter disease type 3. Also called: Bartter syndrome type 3. Identifiers: Orphanet 112, Orphanet 93605, MedGen C1846343, MONDO:0011822, OMIM 607364.
Inborn genetic diseases. Identifiers: MedGen C0950123, MeSH D030342.

Allele frequency attached by ClinVar (database versions not stated): gnomAD exomes below 0.00001; TOPMed below 0.00001.
gnomAD v4.1: 2 of 1,611,084 alleles (0.00012%); highest among the groups gnomAD compares: South Asian, 0.0022%; no homozygotes.

Submissions (2):

Ambry Genetics
Classification: Uncertain significance for Inborn genetic diseases. Last evaluated: 2025-09-10. Review status: criteria provided, single submitter. Criteria: Ambry Variant Classification Scheme 2023. Collection method: clinical testing. Allele origin: germline.

Neuberg Centre For Genomic Medicine, NCGM
Classification: Uncertain significance for Bartter disease type 3. Review status: criteria provided, single submitter. Criteria: ACMG Guidelines, 2015. Collection method: clinical testing. Allele origin: germline. Inheritance: Autosomal recessive inheritance. Affected: yes.
Comment: The missense variant in c.2669A>G in SLC12A1 gene has not been reported previously as a pathogenic variant nor as a benign variant, to our knowledge. The p.Glu890Gly variant is novel (not in any individuals) in gnomAD Exomes and 1000 Genomes. The amino acid Glu at position 890 is changed to a Gly changing protein sequence and it might alter its composition and physico-chemical properties. The amino acid change p.Glu890Gly in SLC12A1 is predicted as conserved by GERP++ and PhyloP across 100 vertebrates. For these reasons, this variant has been classified as Variant of Uncertain Significance (VUS).

NM_000338.3(SLC12A1):c.2669A>G (p.Glu890Gly)

Gene: SLC12A1 (solute carrier family 12 member 1; plus strand). Cytogenetic location: 15q21.1.
Variant type: single nucleotide variant.
Coding change: c.2669A>G on transcript NM_000338.3 (MANE Select); coding-DNA position 2669, A replaced by G.
Protein change: p.Glu890Gly; replaces glutamic acid 890 with glycine.
Molecular consequence: missense variant.
Genome position (GRCh38, 1-based): chr15:48,288,082, A>G. VCF-style: chr15-48288082-A-G. GRCh37 (hg19) VCF-style: chr15-48580279-A-G.
Other names: c.2669A>G, p.Glu890Gly (NM_001184832.2, NM_001384136.1); c.2669A>G (NM_000338.2); short protein forms E890G.
Identifiers: ClinVar variation 2585413 (VCV002585413.2), dbSNP rs2042078431, ClinGen allele CA392317727.